The following is an entry in ClinVar:

ClinVar aggregate classification (germline): Uncertain significance (1 of 4 stars; one submission).

Conditions:
Hereditary cancer-predisposing syndrome. Also called: Hereditary Cancer Syndrome; Hereditary neoplastic syndrome; Neoplastic Syndromes, Hereditary; Tumor predisposition. Identifiers: Orphanet 140162, MedGen C0027672, MeSH D009386, MONDO:0015356.

Submission:

Ambry Genetics
Classification: Uncertain significance for Hereditary cancer-predisposing syndrome. Last evaluated: 2025-06-16. Review status: criteria provided, single submitter. Criteria: Ambry Variant Classification Scheme 2023. Collection method: clinical testing. Allele origin: germline.
Comment: The c.792+3A>T intronic variant results from an A to T substitution 3 nucleotides after coding exon 5 in the CHEK2 gene. This nucleotide position is well conserved in available vertebrate species. In silico splice site analysis predicts that this alteration will weaken the native splice donor site. Based on the available evidence, the clinical significance of this variant remains unclear.

NM_007194.4(CHEK2):c.792+3A>T

Gene: CHEK2 (checkpoint kinase 2; minus strand). Cytogenetic location: 22q12.1.
Variant type: single nucleotide variant.
Coding change: c.792+3A>T on transcript NM_007194.4 (MANE Select); 3 bases into the intron after coding-DNA position 792, A replaced by T.
Molecular consequence: intron variant.
Genome position (GRCh38, 1-based): chr22:28,711,906, T>A on the plus strand (A>T on the coding strand, the complement: CHEK2 is on the minus strand). VCF-style: chr22-28711906-T-A. GRCh37 (hg19) VCF-style: chr22-29107894-T-A.
Other names: c.129+3A>T (NM_001437942.1, NM_001257387.3); c.591+3A>T (NM_001349956.3); c.792+3A>T (NM_145862.3); c.885+3A>T (NM_001438295.1, NM_001438293.1); c.921+3A>T (NM_001438294.1, NM_001005735.3).
Identifiers: ClinVar variation 4227995 (VCV004227995.1).